The following is an entry in ClinVar:

ClinVar aggregate classification (germline): Benign/Likely benign. Review status: criteria provided, multiple submitters, no conflicts (2 of 4 stars). 12 submissions from 12 submitters: Benign (8); Likely benign (4). Last evaluated 2026-04-01.

Conditions:
Inborn genetic diseases. Identifiers: MedGen C0950123, MeSH D030342.
Autism, susceptibility to, 15. Also called: Autism susceptibility 15. Identifiers: MedGen C2677504, MONDO:0012801, OMIM 612100.
Cortical dysplasia-focal epilepsy syndrome (PTHSL1). Also called: Pitt-Hopkins-like syndrome 1. Identifiers: Orphanet 163681, Orphanet 221150, MedGen C2750246, MONDO:0012400, OMIM 610042.

Allele frequency attached by ClinVar (database versions not stated): TOPMed 0.00286; gnomAD 0.00405 and 0.00385; gnomAD exomes 0.00518 and 0.00453; 1000 Genomes Project 0.00040; ESP Exome Variant Server 0.00338; 1000 Genomes Project 30x 0.00031; ExAC 0.00527.
gnomAD v4.1: 8,110 of 1,614,092 alleles (0.5%); highest among the groups gnomAD compares: Non-Finnish European, 0.57%; 26 homozygotes.

Submissions (12):

CeGaT Center for Human Genetics Tuebingen
Classification: Likely benign. Last evaluated: 2026-04-01. Review status: criteria provided, single submitter. Criteria: CeGaT Center For Human Genetics Tuebingen Variant Classification Criteria Version 2. Collection method: clinical testing. Allele origin: germline. Affected: yes. Observed: 14 variant alleles.
Comment: CNTNAP2: BS2

Labcorp Genetics (formerly Invitae), Labcorp
Classification: Benign for Cortical dysplasia-focal epilepsy syndrome. Last evaluated: 2026-02-03. Review status: criteria provided, single submitter. Criteria: Invitae Variant Classification Sherloc (09022015). Collection method: clinical testing. Allele origin: germline.

Mayo Clinic Laboratories, Mayo Clinic
Classification: Benign. Last evaluated: 2024-10-14. Review status: criteria provided, single submitter. Criteria: ACMG Guidelines, 2015. Collection method: clinical testing. Allele origin: germline. Observed: 1 variant allele.
Comment: BS1, BS2

ARUP Laboratories, Molecular Genetics and Genomics, ARUP Laboratories
Classification: Benign. Last evaluated: 2024-09-16. Review status: criteria provided, single submitter. Criteria: ARUP Molecular Germline Variant Investigation Process 2024. Collection method: clinical testing. Allele origin: germline.

Fulgent Genetics
Classification: Likely benign for Cortical dysplasia-focal epilepsy syndrome; Autism, susceptibility to, 15. Last evaluated: 2022-04-01. Review status: criteria provided, single submitter. Criteria: ACMG Guidelines, 2015. Collection method: clinical testing. Allele origin: unknown.

Ambry Genetics
Classification: Likely benign for Inborn genetic diseases. Last evaluated: 2018-09-22. Review status: criteria provided, single submitter. Criteria: Ambry Variant Classification Scheme 2023. Collection method: clinical testing. Allele origin: germline.

GeneDx
Classification: Benign. Last evaluated: 2018-03-26. Review status: criteria provided, single submitter. Criteria: GeneDx Variant Classification Process June 2021. Collection method: clinical testing. Allele origin: germline. Affected: yes.
Comment: This variant is associated with the following publications: (PMID: 24807205)

Athena Diagnostics
Classification: Benign. Last evaluated: 2017-09-30. Review status: criteria provided, single submitter. Criteria: Athena Diagnostics Criteria. Collection method: clinical testing. Allele origin: germline.

Illumina Laboratory Services, Illumina
Classification: Benign for Cortical dysplasia-focal epilepsy syndrome. Last evaluated: 2017-04-27. Review status: criteria provided, single submitter. Criteria: ICSL Variant Classification Criteria 13 December 2019. Collection method: clinical testing. Allele origin: germline.
Comment: This variant was observed as part of a predisposition screen in an ostensibly healthy population. A literature search was performed for the gene, cDNA change, and amino acid change (where applicable). No publications were found based on this search. Allele frequency data from public databases was too high to be consistent with this variant causing disease. Therefore, this variant is classified as benign.

Genetic Services Laboratory, University of Chicago
Classification: Benign. Last evaluated: 2015-12-21. Review status: criteria provided, single submitter. Criteria: ACMG Guidelines, 2015. Collection method: clinical testing. Allele origin: germline. Affected: no.

Eurofins Ntd Llc (ga)
Classification: Benign. Last evaluated: 2012-09-06. Review status: criteria provided, single submitter. Criteria: EGL Classification Definitions 2015. Collection method: clinical testing. Allele origin: germline. Observed: 2 variant alleles, 2 heterozygotes.

PreventionGenetics, part of Exact Sciences
Classification: Likely benign. Review status: criteria provided, single submitter. Criteria: ACMG Guidelines, 2015. Collection method: clinical testing. Allele origin: germline.

Literature cited by the submitters: PubMed 34540591 (cited by Mayo Clinic Laboratories, Mayo Clinic).

NM_014141.6(CNTNAP2):c.854G>C (p.Gly285Ala)

Gene: CNTNAP2 (contactin associated protein 2; plus strand). Cytogenetic location: 7q35.
Variant type: single nucleotide variant.
Coding change: c.854G>C on transcript NM_014141.6 (MANE Select); coding-DNA position 854, G replaced by C.
Protein change: p.Gly285Ala; replaces glycine 285 with alanine.
Molecular consequence: missense variant.
Genome position (GRCh38, 1-based): chr7:147,121,078, G>C. VCF-style: chr7-147121078-G-C. GRCh37 (hg19) VCF-style: chr7-146818170-G-C.
Other names: p.G285A:GGG>GCG; short protein forms G285A.
Identifiers: ClinVar variation 95578 (VCV000095578.52), dbSNP rs150918383, ClinGen allele CA231037.